The following is an entry in ClinVar:

NM_001267550.2(TTN):c.2114TTG[3] (p.Val706_Ala707insVal)

Gene: TTN (titin; minus strand). Cytogenetic location: 2q31.2.
Variant type: Microsatellite.
Coding change: c.2114TTG[3] on transcript NM_001267550.2 (MANE Select); three copies in a row of the 3-base unit TTG starting at c.2114; the reference has two copies in a row; one copy, 3 bases duplicated; also written c.2117_2119dup.
Protein change: p.Val706_Ala707insVal.
Molecular consequence: inframe insertion. On other transcripts: inframe indel (1).
Genome position (GRCh38, 1-based): chr2:178,786,099-178,786,101, CAA duplicated on the plus strand (TTG on the coding strand, the reverse complement: TTN is on the minus strand); duplicating any 3 consecutive bases within chr2:178,786,099-178,786,105 gives the same sequence; the position shown is the placement nearest the transcript's 3' end. VCF-style (leftmost placement, unchanged base first): chr2-178786098-G-GCAA. GRCh37 (hg19) VCF-style: chr2-179650825-G-GCAA.
Other names: c.2114TTG[3], p.Val706_Ala707insVal (NM_001256850.1, NM_133378.4, NM_133379.5); c.2113_2115GTT[3], p.Val706_Ala707insVal (NM_001267550.1); c.1976TTG[3], p.Val660_Ala661insVal (NM_003319.4, NM_133432.3, NM_133437.4); c.1979_1981dupTTG (NM_003319.4); c.2117_2119dup (NM_001267550.1).
Identifiers: ClinVar variation 1783755 (VCV001783755.3), dbSNP rs2093157839, ClinGen allele CA1310621730.

ClinVar aggregate classification (germline): Uncertain significance. Review status: criteria provided, multiple submitters, no conflicts (2 of 4 stars). 2 submissions from 2 submitters: Uncertain significance (2). Last evaluated 2025-02-13.

Conditions:
Cardiovascular phenotype. Identifiers: MedGen CN230736.

Submissions (2):

GeneDx
Classification: Uncertain significance. Last evaluated: 2025-02-13. Review status: criteria provided, single submitter. Criteria: GeneDx Variant Classification Process June 2021. Collection method: clinical testing. Allele origin: germline. Affected: yes.
Comment: Not observed at significant frequency in large population cohorts (gnomAD); In-frame duplication in a gene in which most reported pathogenic variants are truncating/loss of function; Has not been previously published as pathogenic or benign to our knowledge

Ambry Genetics
Classification: Uncertain significance for Cardiovascular phenotype. Last evaluated: 2022-09-30. Review status: criteria provided, single submitter. Criteria: Ambry Variant Classification Scheme 2023. Collection method: clinical testing. Allele origin: germline.
Comment: The c.1979_1981dupTTG variant (also known as p.V660dup), located in coding exon 12 of the TTN gene, results from an in-frame duplication of TTG at nucleotide positions 1979 to 1981. This results in the duplication of an extra residue between codons 660 and 661. This amino acid position is well conserved in available vertebrate species. In addition, this alteration is predicted to be deleterious by in silico analysis (Choi Y et al. PLoS ONE. 2012; 7(10):e46688). Since supporting evidence is limited at this time, the clinical significance of this alteration remains unclear.